The following is an entry in ClinVar:

NM_001011.4(RPS7):c.14G>A (p.Ser5Asn)

Gene: RPS7 (ribosomal protein S7; plus strand). Cytogenetic location: 2p25.3.
Variant type: single nucleotide variant.
Coding change: c.14G>A on transcript NM_001011.4 (MANE Select); coding-DNA position 14, G replaced by A.
Protein change: p.Ser5Asn; replaces serine 5 with asparagine.
Molecular consequence: missense variant.
Genome position (GRCh38, 1-based): chr2:3,575,623, G>A. VCF-style: chr2-3575623-G-A. GRCh37 (hg19) VCF-style: chr2-3623213-G-A.
Other names: short protein forms S5N.
Identifiers: ClinVar variation 1485908 (VCV001485908.6), dbSNP rs2147819095, ClinGen allele CA345742526.

ClinVar aggregate classification (germline): Uncertain significance (1 of 4 stars; one submission).

Conditions:
Diamond-Blackfan anemia 8 (DBA8). Also called: RPS7-Related Diamond-Blackfan Anemia. Identifiers: Orphanet 124, MedGen C2675511, MONDO:0012939, OMIM 612563.

Submission:

Labcorp Genetics (formerly Invitae), Labcorp
Classification: Uncertain significance for Diamond-Blackfan anemia 8. Last evaluated: 2021-07-29. Review status: criteria provided, single submitter. Criteria: Invitae Variant Classification Sherloc (09022015). Collection method: clinical testing. Allele origin: germline.
Comment: In summary, the available evidence is currently insufficient to determine the role of this variant in disease. Therefore, it has been classified as a Variant of Uncertain Significance. Algorithms developed to predict the effect of missense changes on protein structure and function (SIFT, PolyPhen-2, Align-GVGD) all suggest that this variant is likely to be tolerated. This variant has not been reported in the literature in individuals affected with RPS7-related conditions. This variant is not present in population databases (ExAC no frequency). This sequence change replaces serine with asparagine at codon 5 of the RPS7 protein (p.Ser5Asn). The serine residue is moderately conserved and there is a small physicochemical difference between serine and asparagine.